The following is an entry in ClinVar:

ClinVar aggregate classification (germline): Uncertain significance. Review status: criteria provided, multiple submitters, no conflicts (2 of 4 stars). 2 submissions from 2 submitters: Uncertain significance (2). Last evaluated 2025-07-13.

Conditions:
Fanconi anemia (FA). Also called: Fanconi's anemia. Identifiers: Orphanet 84, MedGen C0015625, MeSH D005199, MONDO:0019391.
Inborn genetic diseases. Identifiers: MedGen C0950123, MeSH D030342.

gnomAD v4.1: 9 of 1,614,146 alleles (0.00056%); highest among the groups gnomAD compares: South Asian, 0.0088%; no homozygotes.

Submissions (2):

Labcorp Genetics (formerly Invitae), Labcorp
Classification: Uncertain significance for Fanconi anemia. Last evaluated: 2025-07-13. Review status: criteria provided, single submitter. Criteria: Invitae Variant Classification Sherloc (09022015). Collection method: clinical testing. Allele origin: germline.
Comment: This sequence change replaces histidine, which is basic and polar, with proline, which is neutral and non-polar, at codon 560 of the FANCA protein (p.His560Pro). This variant is present in population databases (rs759940726, gnomAD 0.006%). This variant has not been reported in the literature in individuals affected with FANCA-related conditions. ClinVar contains an entry for this variant (Variation ID: 1041333). Invitae Evidence Modeling of protein sequence and biophysical properties (such as structural, functional, and spatial information, amino acid conservation, physicochemical variation, residue mobility, and thermodynamic stability) has been performed for this missense variant. However, the output from this modeling did not meet the statistical confidence thresholds required to predict the impact of this variant on FANCA protein function. In summary, the available evidence is currently insufficient to determine the role of this variant in disease. Therefore, it has been classified as a Variant of Uncertain Significance.

Ambry Genetics
Classification: Uncertain significance for Inborn genetic diseases. Last evaluated: 2025-06-23. Review status: criteria provided, single submitter. Criteria: Ambry Variant Classification Scheme 2023. Collection method: clinical testing. Allele origin: germline.
Comment: The p.H560P variant (also known as c.1679A>C), located in coding exon 18 of the FANCA gene, results from an A to C substitution at nucleotide position 1679. The histidine at codon 560 is replaced by proline, an amino acid with similar properties. This amino acid position is conserved. In addition, the in silico prediction for this alteration is inconclusive. Based on the available evidence, the clinical significance of this variant remains unclear.

NM_000135.4(FANCA):c.1679A>C (p.His560Pro)

Gene: FANCA (FA complementation group A; minus strand). Cytogenetic location: 16q24.3.
Variant type: single nucleotide variant.
Coding change: c.1679A>C on transcript NM_000135.4 (MANE Select); coding-DNA position 1679, A replaced by C.
Protein change: p.His560Pro; replaces histidine 560 with proline.
Molecular consequence: missense variant.
Genome position (GRCh38, 1-based): chr16:89,779,905, T>G on the plus strand (A>C on the coding strand, the complement: FANCA is on the minus strand). VCF-style: chr16-89779905-T-G. GRCh37 (hg19) VCF-style: chr16-89846313-T-G.
Other names: c.1679A>C, p.His560Pro (NM_001286167.3); c.1679A>C (NM_000135.2); short protein forms H560P.
Identifiers: ClinVar variation 1041333 (VCV001041333.8), dbSNP rs759940726, ClinGen allele CA8252174.